The following is an entry in ClinVar:

NM_001040108.2(MLH3):c.3555G>C (p.Met1185Ile)

Gene: MLH3 (mutL homolog 3; minus strand). Cytogenetic location: 14q24.3.
Variant type: single nucleotide variant.
Coding change: c.3555G>C on transcript NM_001040108.2 (MANE Select); coding-DNA position 3555, G replaced by C.
Protein change: p.Met1185Ile; replaces methionine 1185 with isoleucine.
Molecular consequence: missense variant.
Genome position (GRCh38, 1-based): chr14:75,039,926, C>G on the plus strand (G>C on the coding strand, the complement: MLH3 is on the minus strand). VCF-style: chr14-75039926-C-G. GRCh37 (hg19) VCF-style: chr14-75506629-C-G.
Other names: c.3555G>C, p.Met1185Ile (NM_014381.3); short protein forms M1185I.
Identifiers: ClinVar variation 1732625 (VCV001732625.3), dbSNP rs774463170, ClinGen allele CA7275455.
Genomic context (GRCh38, chr14:75,039,926, plus strand): 5'-TATATATATATATATATTTATGAGATTTTGAAGTTAATCTTTTACCTGCATTGAATGAAT[C>G]ATTCCTTTGGTGAAACGATAGGGATACAAGATGTTGTGAATTTTAACTGCTAAGCTCTCA-3'
Protein context (NP_001035197.1, residues 1175-1195): ILYPYRFTKG[Met1185Ile]IHSMQVLQQV

ClinVar aggregate classification (germline): Uncertain significance (1 of 4 stars; one submission).

Allele frequency attached by ClinVar (database versions not stated): gnomAD exomes below 0.00001; ExAC 0.00001.

Submission:

Ambry Genetics
Classification: Uncertain significance. Last evaluated: 2024-04-06. Review status: criteria provided, single submitter. Criteria: Ambry Variant Classification Scheme 2023. Collection method: clinical testing. Allele origin: germline.
Comment: The p.M1185I variant (also known as c.3555G>C), located in coding exon 4 of the MLH3 gene, results from a G to C substitution at nucleotide position 3555. The methionine at codon 1185 is replaced by isoleucine, an amino acid with highly similar properties. This amino acid position is conserved. In addition, the in silico prediction for this alteration is inconclusive. Since supporting evidence is limited at this time, the clinical significance of this alteration remains unclear.